The following is an entry in ClinVar:

NM_001040142.2(SCN2A):c.1558A>T (p.Asn520Tyr)

Gene: SCN2A (sodium voltage-gated channel alpha subunit 2; plus strand). Cytogenetic location: 2q24.3.
Variant type: single nucleotide variant.
Coding change: c.1558A>T on transcript NM_001040142.2 (MANE Select); coding-DNA position 1558, A replaced by T.
Protein change: p.Asn520Tyr; replaces asparagine 520 with tyrosine.
Molecular consequence: missense variant.
Genome position (GRCh38, 1-based): chr2:165,315,645, A>T. VCF-style: chr2-165315645-A-T. GRCh37 (hg19) VCF-style: chr2-166172155-A-T.
Other names: p.N520Y:AAT>TAT; c.1558A>T, p.Asn520Tyr (NM_001040143.2, NM_001371246.1, NM_001371247.1 and 1 more transcripts); short protein forms N520Y.
Identifiers: ClinVar variation 207059 (VCV000207059.11), dbSNP rs746957483, ClinGen allele CA318129.
Genomic context (GRCh38, chr2:165,315,645, plus strand): 5'-GAGCTGAAAAACAGAAGAAAGAAAAAGAAACAGAAAGAACAGTCTGGAGAAGAAGAGAAA[A>T]ATGACAGAGTCCGAAAATCGGAATCTGAAGACAGCATAAGAAGAAAAGGTTTCCGTTTTT-3'
Protein context (NP_001035232.1, residues 510-530): QKEQSGEEEK[Asn520Tyr]DRVRKSESED

ClinVar aggregate classification (germline): Uncertain significance. Review status: criteria provided, multiple submitters, no conflicts (2 of 4 stars). 2 submissions from 2 submitters: Uncertain significance (2). Last evaluated 2024-09-27.

Conditions:
Seizures, benign familial infantile, 3 (BFIS3). Also called: CONVULSIONS, BENIGN FAMILIAL INFANTILE, 3; Familial neonatal seizures. Identifiers: Orphanet 140927, Orphanet 306, MedGen C1843140, MONDO:0011904, OMIM 607745.
Developmental and epileptic encephalopathy, 11 (DEE11). Also called: Early infantile epileptic encephalopathy 11. Identifiers: Orphanet 1934, MedGen C3150987, MONDO:0013388, OMIM 613721.

Allele frequency attached by ClinVar (database versions not stated): gnomAD 0.00001; TOPMed 0.00001; ExAC 0.00002; gnomAD exomes 0.00002 and 0.00003.
gnomAD v4.1: 42 of 1,614,006 alleles (0.0026%); highest among the groups gnomAD compares: Non-Finnish European, 0.0034%; no homozygotes.

Submissions (2):

Labcorp Genetics (formerly Invitae), Labcorp
Classification: Uncertain significance for Seizures, benign familial infantile, 3; Developmental and epileptic encephalopathy, 11. Last evaluated: 2024-09-27. Review status: criteria provided, single submitter. Criteria: Invitae Variant Classification Sherloc (09022015). Collection method: clinical testing. Allele origin: germline.
Comment: This sequence change replaces asparagine, which is neutral and polar, with tyrosine, which is neutral and polar, at codon 520 of the SCN2A protein (p.Asn520Tyr). The frequency data for this variant in the population databases is considered unreliable, as metrics indicate poor data quality at this position in the gnomAD database. This variant has not been reported in the literature in individuals affected with SCN2A-related conditions. ClinVar contains an entry for this variant (Variation ID: 207059). Invitae Evidence Modeling of protein sequence and biophysical properties (such as structural, functional, and spatial information, amino acid conservation, physicochemical variation, residue mobility, and thermodynamic stability) indicates that this missense variant is not expected to disrupt SCN2A protein function with a negative predictive value of 95%. In summary, the available evidence is currently insufficient to determine the role of this variant in disease. Therefore, it has been classified as a Variant of Uncertain Significance.

GeneDx
Classification: Uncertain significance. Last evaluated: 2013-10-25. Review status: criteria provided, single submitter. Criteria: GeneDx Variant Classification (06012015). Collection method: clinical testing. Allele origin: germline. Affected: yes.
Comment: p.Asn520Tyr (AAT>TAT): c.1558 A>T in exon 11 of the SCN2A gene (NM_021007.2). The Asn520Tyr missense change in the SCN2A gene has not been published as a mutation, nor has it been reported as a benign polymorphism to our knowledge. It was not observed in approximately 6,500 individuals of European and African American ancestry in the NHLBI Exome Sequencing Project, indicating it is not a common benign variant in these populations. This variant is a conservative substitution of one uncharged, polar amino acid for another. It alters a position between the first and second transmembrane domains that is not highly conserved across species; however, other missense mutations in this region of the protein have been reported (E430Q and A575V). In silico analysis is inconsistent with regard to the effect this variant may have on the protein structure/function. Therefore, based on the currently available information, it is unclear whether Asn520Tyr is a disease-causing mutation or a rare benign variant. The variant is found in INFANT-EPI panel(s).